The following is an entry in ClinVar:

ClinVar aggregate classification (germline): Uncertain significance (1 of 4 stars; one submission).

Conditions:
Emery-Dreifuss muscular dystrophy 5, autosomal dominant (EDMD5). Also called: EMERY-DREIFUSS MUSCULAR DYSTROPHY 5. Identifiers: Orphanet 261, MedGen C2751805, MONDO:0013072, OMIM 612999.

Allele frequency attached by ClinVar (database versions not stated): gnomAD exomes below 0.00001; TOPMed below 0.00001; ExAC 0.00001; gnomAD 0.00001.
gnomAD v4.1: 1 of 1,607,534 alleles (0.000062%); highest among the groups gnomAD compares: African/African-American, 0.0013%; no homozygotes.

Submission:

Labcorp Genetics (formerly Invitae), Labcorp
Classification: Uncertain significance for Emery-Dreifuss muscular dystrophy 5, autosomal dominant. Last evaluated: 2022-02-24. Review status: criteria provided, single submitter. Criteria: Invitae Variant Classification Sherloc (09022015). Collection method: clinical testing. Allele origin: germline.
Comment: In summary, the available evidence is currently insufficient to determine the role of this variant in disease. Therefore, it has been classified as a Variant of Uncertain Significance. Variants that disrupt the consensus splice site are a relatively common cause of aberrant splicing (PMID: 17576681, 9536098). Algorithms developed to predict the effect of sequence changes on RNA splicing suggest that this variant is not likely to affect RNA splicing. This variant has not been reported in the literature in individuals affected with SYNE2-related conditions. This variant is present in population databases (rs780035873, gnomAD 0.007%). This sequence change falls in intron 16 of the SYNE2 gene. It does not directly change the encoded amino acid sequence of the SYNE2 protein. It affects a nucleotide within the consensus splice site.

Literature cited by the submitters: PubMed 17576681; PubMed 9536098.

NM_182914.3(SYNE2):c.1836+6T>G

Gene: SYNE2 (spectrin repeat containing nuclear envelope protein 2; plus strand). Cytogenetic location: 14q23.2.
Variant type: single nucleotide variant.
Coding change: c.1836+6T>G on transcript NM_182914.3 (MANE Select); 6 bases into the intron after coding-DNA position 1836, T replaced by G.
Molecular consequence: intron variant.
Genome position (GRCh38, 1-based): chr14:63,981,179, T>G. VCF-style: chr14-63981179-T-G. GRCh37 (hg19) VCF-style: chr14-64447897-T-G.
Other names: c.1836+6T>G (NM_015180.6).
Identifiers: ClinVar variation 1494678 (VCV001494678.6), dbSNP rs780035873, ClinGen allele CA7219525.